The following is an entry in ClinVar:

ClinVar aggregate classification (germline): Pathogenic. Review status: reviewed by expert panel (3 of 4 stars). 2 submissions from 2 submitters: Pathogenic (1). 1 of the submissions does not count toward it. Last evaluated 2016-10-18.

Conditions:
Breast-ovarian cancer, familial, susceptibility to, 1 (BROVCA1). Also called: OVARIAN CANCER, SUSCEPTIBILITY TO; BRCA1 Hereditary Breast and Ovarian Cancer. Identifiers: Orphanet 145, MedGen C2676676, MONDO:0011450, OMIM 604370. Disease mechanism: loss of function.

Submissions (2):

Evidence-based Network for the Interpretation of Germline Mutant Alleles (ENIGMA)
Classification: Pathogenic for Breast-ovarian cancer, familial, susceptibility to, 1. Last evaluated: 2016-10-18. Review status: reviewed by expert panel. Criteria: ENIGMA BRCA1/2 Classification Criteria (2015). Collection method: curation. Allele origin: germline.
Comment: Variant allele predicted to encode a truncated non-functional protein.

Consortium of Investigators of Modifiers of BRCA1/2 (CIMBA), c/o University of Cambridge
Classification: Pathogenic for Breast-ovarian cancer, familial, susceptibility to, 1. Last evaluated: 2015-10-02. Review status: criteria provided, single submitter. Criteria: CIMBA Mutation Classification guidelines May 2016. Collection method: clinical testing. Allele origin: germline. Not counted in ClinVar's aggregate classification.

NM_007294.4(BRCA1):c.2155_2168del (p.Lys719fs)

Gene: BRCA1 (BRCA1 DNA repair associated; minus strand). Cytogenetic location: 17q21.31.
Variant type: Deletion.
Coding change: c.2155_2168del on transcript NM_007294.4 (MANE Select); coding-DNA positions 2155 to 2168, 14 bases deleted (AAAGAATTTGTCAA).
Protein change: p.Lys719fs; shifts the reading frame from lysine 719.
Molecular consequence: frameshift variant. On other transcripts: intron variant (137).
Genome position (GRCh38, 1-based): chr17:43,093,363-43,093,376, TTGACAAATTCTTT deleted on the plus strand (AAAGAATTTGTCAA on the coding strand, the reverse complement: BRCA1 is on the minus strand). VCF-style (leftmost placement, unchanged base first): chr17-43093362-ATTGACAAATTCTTT-A. GRCh37 (hg19) VCF-style: chr17-41245379-ATTGACAAATTCTTT-A.
Other names: 2274-2287del14; c.1891_1904del, p.Lys631fs (NM_001407928.1, NM_001407929.1, NM_001407933.1 and 9 more transcripts); c.1888_1901del, p.Lys630fs (NM_001407930.1, NM_001407931.1, NM_001407932.1 and 2 more transcripts); c.2032_2045del, p.Lys678fs (NM_001407937.1, NM_001407938.1, NM_001407939.1 and 19 more transcripts); c.2029_2042del, p.Lys677fs (NM_001407940.1, NM_001407941.1, NM_001407649.1 and 11 more transcripts); c.2014_2027del, p.Lys672fs (NM_001407942.1, NM_001407944.1, NM_001407945.1 and 29 more transcripts); c.2011_2024del, p.Lys671fs (NM_001407943.1, NM_001407964.1, NM_001407740.1 and 20 more transcripts); c.1822_1835del, p.Lys608fs (NM_001407946.1, NM_001407947.1, NM_001407948.1 and 6 more transcripts); and 42 more; short protein forms K672fs, K719fs, K423fs, K631fs, K651fs, K607fs, K630fs, K649fs.
Identifiers: ClinVar variation 54477 (VCV000054477.7), dbSNP rs397508941, ClinGen allele CA001441.